The following is an entry in ClinVar:

ClinVar aggregate classification (germline): Uncertain significance (1 of 4 stars; one submission).

gnomAD v4.1: 3 of 1,538,746 alleles (0.00019%); highest among the groups gnomAD compares: Non-Finnish European, 0.00017%; no homozygotes.

Submission:

Labcorp Genetics (formerly Invitae), Labcorp
Classification: Uncertain significance. Last evaluated: 2022-05-27. Review status: criteria provided, single submitter. Criteria: Invitae Variant Classification Sherloc (09022015). Collection method: clinical testing. Allele origin: germline.
Comment: This sequence change replaces alanine, which is neutral and non-polar, with serine, which is neutral and polar, at codon 47 of the ARID1B protein (p.Ala47Ser). This variant is not present in population databases (gnomAD no frequency). This variant has not been reported in the literature in individuals affected with ARID1B-related conditions. Algorithms developed to predict the effect of missense changes on protein structure and function output the following: SIFT: "Deleterious"; PolyPhen-2: "Not Available"; Align-GVGD: "Class C0". The serine amino acid residue is found in multiple mammalian species, which suggests that this missense change does not adversely affect protein function. In summary, the available evidence is currently insufficient to determine the role of this variant in disease. Therefore, it has been classified as a Variant of Uncertain Significance.

NM_001374828.1(ARID1B):c.388G>T (p.Ala130Ser)

Genes: ARID1B (AT-rich interaction domain 1B; plus strand), LOC115308161 (uncharacterized LOC115308161; minus strand). Cytogenetic location: 6q25.3.
Variant type: single nucleotide variant.
Coding change: c.388G>T on transcript NM_001374828.1 (MANE Select); coding-DNA position 388, G replaced by T.
Protein change: p.Ala130Ser; replaces alanine 130 with serine.
Molecular consequence: missense variant.
Genome position (GRCh38, 1-based): chr6:156,778,068, G>T. VCF-style: chr6-156778068-G-T. GRCh37 (hg19) VCF-style: chr6-157099202-G-T.
Other names: c.139G>T, p.Ala47Ser (NM_001346813.1, NM_020732.3); c.388G>T, p.Ala130Ser (NM_001371656.1, NM_001374820.1, NM_017519.3); c.-36G>T (NM_175863.2); short protein forms A47S, A130S.
Identifiers: ClinVar variation 2198796 (VCV002198796.4), dbSNP rs2114961096, ClinGen allele CA366381209.